The following is an entry in ClinVar:

NM_001367624.2(ZNF469):c.8627A>G (p.His2876Arg)

Gene: ZNF469 (zinc finger protein 469; plus strand). Cytogenetic location: 16q24.2.
Variant type: single nucleotide variant.
Coding change: c.8627A>G on transcript NM_001367624.2 (MANE Select); coding-DNA position 8627, A replaced by G.
Protein change: p.His2876Arg; replaces histidine 2876 with arginine.
Molecular consequence: missense variant.
Genome position (GRCh38, 1-based): chr16:88,436,097, A>G. VCF-style: chr16-88436097-A-G. GRCh37 (hg19) VCF-style: chr16-88502505-A-G.
Other names: NM_001127464.1:c.8543A>G; p.His2876Arg; short protein forms H2876R.
Identifiers: ClinVar variation 195125 (VCV000195125.27), dbSNP rs1983014, ClinGen allele CA201582.

ClinVar aggregate classification (germline): Benign/Likely benign. Review status: criteria provided, multiple submitters, no conflicts (2 of 4 stars). 13 submissions from 13 submitters: Benign (9); Likely benign (1). 3 of the submissions do not count toward it. Last evaluated 2026-02-04.

Conditions:
Cardiovascular phenotype. Identifiers: MedGen CN230736.
Brittle cornea syndrome 1 (BCS1). Also called: Corneal fragility keratoglobus, blue sclerae AND joint hypermobility; CORNEAL FRAGILITY, KERATOGLOBUS, BLUE SCLERAE, JOINT HYPEREXTENSIBILITY; EDS6B; FRAGILITAS OCULI WITH JOINT HYPEREXTENSIBILITY; DYSGENESIS MESODERMALIS CORNEAE ET SCLERAE. Identifiers: Orphanet 90354, MedGen C0268344, MONDO:0024543, OMIM 229200.

Allele frequency attached by ClinVar (database versions not stated): ESP Exome Variant Server 0.99518; TOPMed 0.99620; 1000 Genomes Project 0.99621; gnomAD 0.99622 and 0.99646; ExAC 0.99834; 1000 Genomes Project 30x 0.99516; gnomAD exomes 0.99925.
gnomAD v4.1: 1,548,578 of 1,549,610 alleles (100%); highest among the groups gnomAD compares: East Asian, 100%; 773,781 homozygotes.

Submissions (13):

Labcorp Genetics (formerly Invitae), Labcorp
Classification: Benign. Last evaluated: 2026-02-04. Review status: criteria provided, single submitter. Criteria: Invitae Variant Classification Sherloc (09022015). Collection method: clinical testing. Allele origin: germline.

Women's Health and Genetics/Laboratory Corporation of America, LabCorp
Classification: Benign. Last evaluated: 2025-10-13. Review status: criteria provided, single submitter. Criteria: LabCorp Variant Classification Summary - May 2015. Collection method: clinical testing. Allele origin: germline.

Mayo Clinic Laboratories, Mayo Clinic
Classification: Benign. Last evaluated: 2025-02-21. Review status: criteria provided, single submitter. Criteria: ACMG Guidelines, 2015. Collection method: clinical testing. Allele origin: germline. Observed: 3,092 variant alleles.

Blueprint Genetics
Classification: Likely benign. Last evaluated: 2024-11-27. Review status: criteria provided, single submitter. Criteria: ACMG Guidelines, 2015. Collection method: clinical testing. Allele origin: germline.

Genome-Nilou Lab
Classification: Benign for Brittle cornea syndrome 1. Last evaluated: 2021-12-05. Review status: criteria provided, single submitter. Criteria: ACMG Guidelines, 2015. Collection method: clinical testing. Allele origin: germline. Affected: no.

Mendelics
Classification: Benign for Brittle cornea syndrome 1. Last evaluated: 2019-05-28. Review status: criteria provided, single submitter. Criteria: Mendelics Assertion Criteria 2017. Collection method: clinical testing. Allele origin: unknown.

Ambry Genetics
Classification: Benign for Cardiovascular phenotype. Last evaluated: 2018-12-04. Review status: criteria provided, single submitter. Criteria: Ambry Variant Classification Scheme 2023. Collection method: clinical testing. Allele origin: germline.

GeneDx
Classification: Benign. Last evaluated: 2016-09-29. Review status: criteria provided, single submitter. Criteria: GeneDx Variant Classification (06012015). Collection method: clinical testing. Allele origin: germline. Affected: yes.
Comment: This variant is considered likely benign or benign based on one or more of the following criteria: it is a conservative change, it occurs at a poorly conserved position in the protein, it is predicted to be benign by multiple in silico algorithms, and/or has population frequency not consistent with disease.

Eurofins Ntd Llc (ga)
Classification: Benign. Last evaluated: 2014-07-14. Review status: criteria provided, single submitter. Criteria: EGL Classification Definitions 2015. Collection method: clinical testing. Allele origin: germline. Observed: 2 variant alleles, 2 homozygotes.

Breakthrough Genomics
Classification: Benign. Review status: criteria provided, single submitter. Criteria: ACMG Guidelines, 2015. Collection method: not provided. Allele origin: germline. Inheritance: Autosomal recessive inheritance. Affected: yes.

Genome Diagnostics Laboratory, Amsterdam University Medical Center
Classification: Benign for Brittle cornea syndrome 1. Last evaluated: 2016-01-15. Review status: no assertion criteria provided. Criteria: ACGS Guidelines, 2013. Collection method: clinical testing. Allele origin: germline. Affected: yes. Study: VKGL Data-share Consensus. Not counted in ClinVar's aggregate classification.

Diagnostic Laboratory, Department of Genetics, University Medical Center Groningen
Classification: Benign for Brittle cornea syndrome 1. Review status: no assertion criteria provided. Collection method: clinical testing. Allele origin: germline. Affected: yes. Study: VKGL Data-share Consensus. Not counted in ClinVar's aggregate classification.

Joint Genome Diagnostic Labs from Nijmegen and Maastricht, Radboudumc and MUMC+
Classification: Benign. Review status: no assertion criteria provided. Collection method: clinical testing. Allele origin: germline. Affected: yes. Study: VKGL Data-share Consensus. Not counted in ClinVar's aggregate classification.